The following is an entry in ClinVar:

NM_177438.3(DICER1):c.553C>G (p.Pro185Ala)

Gene: DICER1 (dicer 1, ribonuclease III; minus strand). Cytogenetic location: 14q32.13.
Variant type: single nucleotide variant.
Coding change: c.553C>G on transcript NM_177438.3 (MANE Select); coding-DNA position 553, C replaced by G.
Protein change: p.Pro185Ala; replaces proline 185 with alanine.
Molecular consequence: missense variant.
Genome position (GRCh38, 1-based): chr14:95,130,078, G>C on the plus strand (C>G on the coding strand, the complement: DICER1 is on the minus strand). VCF-style: chr14-95130078-G-C. GRCh37 (hg19) VCF-style: chr14-95596415-G-C.
Other names: c.553C>G, p.Pro185Ala (NM_001195573.1, NM_001271282.3, NM_001291628.2 and 1 more transcripts); short protein forms P185A.
Identifiers: ClinVar variation 954594 (VCV000954594.11), dbSNP rs1893821762, ClinGen allele CA390888369.

ClinVar aggregate classification (germline): Uncertain significance (1 of 4 stars; one submission).

Conditions:
DICER1-related tumor predisposition. Also called: DICER1 syndrome; DICER1-related pleuropulmonary blastoma cancer predisposition syndrome. Identifiers: Orphanet 284343, MedGen C3839822, MONDO:0100216.

Allele frequency attached by ClinVar (database versions not stated): gnomAD exomes below 0.00001.
gnomAD v4.1: 1 of 1,613,380 alleles (0.000062%); highest among the groups gnomAD compares: Non-Finnish European, 0.000085%; no homozygotes.

Submission:

Labcorp Genetics (formerly Invitae), Labcorp
Classification: Uncertain significance for DICER1-related tumor predisposition. Last evaluated: 2019-10-22. Review status: criteria provided, single submitter. Criteria: Invitae Variant Classification Sherloc (09022015). Collection method: clinical testing. Allele origin: germline.
Comment: This variant is not present in population databases (ExAC no frequency). This sequence change replaces proline with alanine at codon 185 of the DICER1 protein (p.Pro185Ala). The proline residue is highly conserved and there is a small physicochemical difference between proline and alanine. This variant has not been reported in the literature in individuals with DICER1-related conditions. In summary, the available evidence is currently insufficient to determine the role of this variant in disease. Therefore, it has been classified as a Variant of Uncertain Significance. Algorithms developed to predict the effect of missense changes on protein structure and function are either unavailable or do not agree on the potential impact of this missense change (SIFT: "Tolerated"; PolyPhen-2: "Possibly Damaging"; Align-GVGD: "Class C0").